The following is an entry in ClinVar:

ClinVar aggregate classification (germline): Uncertain significance (1 of 4 stars; one submission).

Submission:

GeneDx
Classification: Uncertain significance. Last evaluated: 2023-01-09. Review status: criteria provided, single submitter. Criteria: GeneDx Variant Classification Process June 2021. Collection method: clinical testing. Allele origin: germline. Affected: yes.
Comment: Not observed at significant frequency in large population cohorts (gnomAD); In silico analysis supports that this missense variant has a deleterious effect on protein structure/function; Has not been previously published as pathogenic or benign to our knowledge

NM_001385012.1(NBEA):c.3997G>C (p.Glu1333Gln)

Gene: NBEA (neurobeachin; plus strand). Cytogenetic location: 13q13.3.
Variant type: single nucleotide variant.
Coding change: c.3997G>C on transcript NM_001385012.1 (MANE Select); coding-DNA position 3997, G replaced by C.
Protein change: p.Glu1333Gln; replaces glutamic acid 1333 with glutamine.
Molecular consequence: missense variant.
Genome position (GRCh38, 1-based): chr13:35,161,885, G>C. VCF-style: chr13-35161885-G-C. GRCh37 (hg19) VCF-style: chr13-35736022-G-C.
Other names: c.3997G>C, p.Glu1333Gln (NM_001379245.1, NM_015678.5); short protein forms E1333Q.
Identifiers: ClinVar variation 2571954 (VCV002571954.1), dbSNP rs2069591080, ClinGen allele CA387839959.
Genomic context (GRCh38, chr13:35,161,885, plus strand): 5'-ACTGAGGAACAGCGACGCCAGTTTAGCCCAGGTCCACGGACTACAATGTTTCGTATTCCT[G>C]AGTTTAAATGGTCTCCAATGCACCAGCGGCTTCTCACTGATTTACTATTTGCATTAGAAA-3'
Protein context (NP_001371941.1, residues 1323-1343): GPRTTMFRIP[Glu1333Gln]FKWSPMHQRL